The following is an entry in ClinVar:

ClinVar aggregate classification (germline): Pathogenic. Review status: criteria provided, multiple submitters, no conflicts (2 of 4 stars). 3 submissions from 3 submitters: Pathogenic (3). Last evaluated 2022-09-06.

Conditions:
CHM-related disorders.
Retinal dystrophy. Also called: Inherited retinal dystrophy. Identifiers: Orphanet 71862, MedGen C0854723, MeSH D058499, MONDO:0019118, HP:0000556.

Submissions (3):

Labcorp Genetics (formerly Invitae), Labcorp
Classification: Pathogenic. Last evaluated: 2022-09-06. Review status: criteria provided, single submitter. Criteria: Invitae Variant Classification Sherloc (09022015). Collection method: clinical testing. Allele origin: germline.
Comment: For these reasons, this variant has been classified as Pathogenic. ClinVar contains an entry for this variant (Variation ID: 866706). This premature translational stop signal has been observed in individual(s) with choroideremia (PMID: 27247961, 28112135). This variant is not present in population databases (gnomAD no frequency). This sequence change creates a premature translational stop signal (p.Ser218*) in the CHM gene. It is expected to result in an absent or disrupted protein product. Loss-of-function variants in CHM are known to be pathogenic (PMID: 9067750, 23811034).

Blueprint Genetics
Classification: Pathogenic for CHM-related disorders. Last evaluated: 2017-08-11. Review status: criteria provided, single submitter. Criteria: ACMG Guidelines, 2015. Collection method: clinical testing. Allele origin: germline. Affected: yes. Observed: 2 variant alleles.

Institute of Human Genetics, Univ. Regensburg, Univ. Regensburg
Classification: Pathogenic for Retinal dystrophy. Last evaluated: 2015-01-01. Review status: criteria provided, single submitter. Criteria: ACMG Guidelines, 2015. Collection method: clinical testing. Allele origin: germline. Affected: yes.

Literature cited by the submitters: PubMed 27247961 (cited by Labcorp Genetics (formerly Invitae), Labcorp and Institute of Human Genetics, Univ. Regensburg, Univ. Regensburg); PubMed 28112135 (cited by Labcorp Genetics (formerly Invitae), Labcorp and Institute of Human Genetics, Univ. Regensburg, Univ. Regensburg); PubMed 9067750 (cited by Labcorp Genetics (formerly Invitae), Labcorp); PubMed 23811034 (cited by Labcorp Genetics (formerly Invitae), Labcorp); PubMed 29377744 (cited by Institute of Human Genetics, Univ. Regensburg, Univ. Regensburg).

NM_000390.4(CHM):c.653C>G (p.Ser218Ter)

Gene: CHM (CHM Rab escort protein; minus strand). Cytogenetic location: Xq21.2.
Variant type: single nucleotide variant.
Coding change: c.653C>G on transcript NM_000390.4 (MANE Select); coding-DNA position 653, C replaced by G.
Protein change: p.Ser218Ter; replaces serine 218 with a stop codon.
Molecular consequence: nonsense.
Genome position (GRCh38, 1-based): chrX:85,963,714, G>C on the plus strand (C>G on the coding strand, the complement: CHM is on the minus strand). VCF-style: chrX-85963714-G-C. GRCh37 (hg19) VCF-style: chrX-85218719-G-C.
Other names: c.209C>G, p.Ser70Ter (NM_001320959.1, NM_001362517.1, NM_001362518.2 and 1 more transcripts); short protein forms S218*, S70*.
Identifiers: ClinVar variation 866706 (VCV000866706.9), dbSNP rs1930414140, ClinGen allele CA413786414.